The following is an entry in ClinVar:

NM_004722.4(AP4M1):c.454G>A (p.Val152Ile)

Gene: AP4M1 (adaptor related protein complex 4 subunit mu 1; plus strand). Cytogenetic location: 7q22.1.
Variant type: single nucleotide variant.
Coding change: c.454G>A on transcript NM_004722.4 (MANE Select); coding-DNA position 454, G replaced by A.
Protein change: p.Val152Ile; replaces valine 152 with isoleucine.
Molecular consequence: missense variant.
Genome position (GRCh38, 1-based): chr7:100,103,511, G>A. VCF-style: chr7-100103511-G-A. GRCh37 (hg19) VCF-style: chr7-99701134-G-A.
Other names: c.475G>A, p.Val159Ile (NM_001363671.2); short protein forms V152I, V159I.
Identifiers: ClinVar variation 2890843 (VCV002890843.3), dbSNP rs771293623, ClinGen allele CA4374616.
Genomic context (GRCh38, chr7:100,103,511, plus strand): 5'-AATTTCATCCAGACGGAAGCTGTGGTCAGCAAGCCCTTCAGCCTCTTTGACCTCAGCAGC[G>A]TTGGCTTGGTCAGTAGAGGGAAAGAGGAGGGTGAGGAAAGAGAAGAGGGGTTGGCTGGGG-3'
Protein context (NP_004713.2, residues 142-162): KPFSLFDLSS[Val152Ile]GLFGAETQQS

ClinVar aggregate classification (germline): Uncertain significance (1 of 4 stars; one submission).

Conditions:
Hereditary spastic paraplegia 50 (SPG50). Also called: Spastic paraplegia 50, autosomal recessive. Identifiers: Orphanet 280763, MedGen C2752008, MONDO:0013048, OMIM 612936.

Allele frequency attached by ClinVar (database versions not stated): gnomAD 0.00001; gnomAD exomes 0.00001; TOPMed 0.00001; ExAC 0.00002.

Submission:

Labcorp Genetics (formerly Invitae), Labcorp
Classification: Uncertain significance for Hereditary spastic paraplegia 50. Last evaluated: 2022-12-08. Review status: criteria provided, single submitter. Criteria: Invitae Variant Classification Sherloc (09022015). Collection method: clinical testing. Allele origin: germline.
Comment: Algorithms developed to predict the effect of missense changes on protein structure and function are either unavailable or do not agree on the potential impact of this missense change (SIFT: "Deleterious"; PolyPhen-2: "Benign"; Align-GVGD: "Class C25"). In summary, the available evidence is currently insufficient to determine the role of this variant in disease. Therefore, it has been classified as a Variant of Uncertain Significance. This variant has not been reported in the literature in individuals affected with AP4M1-related conditions. This variant is present in population databases (rs771293623, gnomAD 0.003%). This sequence change replaces valine, which is neutral and non-polar, with isoleucine, which is neutral and non-polar, at codon 152 of the AP4M1 protein (p.Val152Ile).